The following is an entry in ClinVar:

ClinVar aggregate classification (germline): Benign. Review status: criteria provided, multiple submitters, no conflicts (2 of 4 stars). 12 submissions from 9 submitters: Benign (9). 3 of the submissions do not count toward it. Last evaluated 2026-02-04.

Conditions:
Dilated cardiomyopathy 1G (CMD1G). Identifiers: Orphanet 154, MedGen C1858763, MONDO:0011400, OMIM 604145.
Autosomal recessive limb-girdle muscular dystrophy type 2J (LGMDR10). Also called: Limb-girdle muscular dystrophy, type 2J; MUSCULAR DYSTROPHY, LIMB-GIRDLE, AUTOSOMAL RECESSIVE 10. Identifiers: Orphanet 140922, MedGen C1837342, MONDO:0012127, OMIM 608807.
Myopathy, myofibrillar, 9, with early respiratory failure (MFM9). Also called: Hereditary myopathy with early respiratory failure; MYOPATHY, PROXIMAL, WITH EARLY RESPIRATORY MUSCLE INVOLVEMENT; Myopathy, distal, with early respiratory failure, autosomal dominant; EDSTROM MYOPATHY. Identifiers: Orphanet 178464, Orphanet 34521, MedGen C1863599, MONDO:0011362, OMIM 603689.
Early-onset myopathy with fatal cardiomyopathy (CMYO5). Also called: Salih Myopathy; CONGENITAL MYOPATHY 5 WITH CARDIOMYOPATHY. Identifiers: Orphanet 289377, MedGen C2673677, MONDO:0012714, OMIM 611705. Disease mechanism: loss of function.
Tibial muscular dystrophy (TMD). Also called: UDD MYOPATHY; Tibial muscular dystrophy, tardive; Udd Distal Myopathy – Tibial Muscular Dystrophy. Identifiers: Orphanet 609, MedGen C1838244, MONDO:0010870, OMIM 600334.

Allele frequency attached by ClinVar (database versions not stated): 1000 Genomes Project 0.03914; ExAC 0.04726; gnomAD 0.03220 and 0.03204; TOPMed 0.03154; gnomAD exomes 0.03220 and 0.02635; 1000 Genomes Project 30x 0.03654; ESP Exome Variant Server 0.02793.
gnomAD v4.1: 42,217 of 1,566,538 alleles (2.7%); highest among the groups gnomAD compares: East Asian, 6.3%; 674 homozygotes.

Submissions (12):

Labcorp Genetics (formerly Invitae), Labcorp
Classification: Benign for Dilated cardiomyopathy 1G; Autosomal recessive limb-girdle muscular dystrophy type 2J. Last evaluated: 2026-02-04. Review status: criteria provided, single submitter. Criteria: Invitae Variant Classification Sherloc (09022015). Collection method: clinical testing. Allele origin: germline.

Genome-Nilou Lab
Classification: Benign for Autosomal recessive limb-girdle muscular dystrophy type 2J. Last evaluated: 2021-09-10. Review status: criteria provided, single submitter. Criteria: ACMG Guidelines, 2015. Collection method: clinical testing. Allele origin: germline. Affected: no.

Genome-Nilou Lab
Classification: Benign for Myopathy, myofibrillar, 9, with early respiratory failure. Last evaluated: 2021-09-10. Review status: criteria provided, single submitter. Criteria: ACMG Guidelines, 2015. Collection method: clinical testing. Allele origin: germline. Affected: no.

Genome-Nilou Lab
Classification: Benign for Early-onset myopathy with fatal cardiomyopathy. Last evaluated: 2021-09-10. Review status: criteria provided, single submitter. Criteria: ACMG Guidelines, 2015. Collection method: clinical testing. Allele origin: germline. Affected: no.

Genome-Nilou Lab
Classification: Benign for Tibial muscular dystrophy. Last evaluated: 2021-09-10. Review status: criteria provided, single submitter. Criteria: ACMG Guidelines, 2015. Collection method: clinical testing. Allele origin: germline. Affected: no.

Women's Health and Genetics/Laboratory Corporation of America, LabCorp
Classification: Benign. Last evaluated: 2020-01-06. Review status: criteria provided, single submitter. Criteria: LabCorp Variant Classification Summary - May 2015. Collection method: clinical testing. Allele origin: germline.

GeneDx
Classification: Benign. Last evaluated: 2013-04-29. Review status: criteria provided, single submitter. Criteria: GeneDx Variant Classification (06012015). Collection method: clinical testing. Allele origin: germline. Affected: yes.
Comment: This variant is considered likely benign or benign based on one or more of the following criteria: it is a conservative change, it occurs at a poorly conserved position in the protein, it is predicted to be benign by multiple in silico algorithms, and/or has population frequency not consistent with disease.

Breakthrough Genomics
Classification: Benign. Review status: criteria provided, single submitter. Criteria: ACMG Guidelines, 2015. Collection method: not provided. Allele origin: germline. Inheritance: Autosomal recessive inheritance. Affected: yes.

PreventionGenetics, part of Exact Sciences
Classification: Benign. Review status: criteria provided, single submitter. Criteria: ACMG Guidelines, 2015. Collection method: clinical testing. Allele origin: germline.

Clinical Genetics DNA and cytogenetics Diagnostics Lab, Erasmus MC, Erasmus Medical Center
Classification: Benign. Review status: no assertion criteria provided. Collection method: clinical testing. Allele origin: germline. Affected: yes. Study: VKGL Data-share Consensus. Not counted in ClinVar's aggregate classification.

Clinical Genetics, Academic Medical Center
Classification: Benign. Review status: no assertion criteria provided. Collection method: clinical testing. Allele origin: germline. Affected: yes. Study: VKGL Data-share Consensus. Not counted in ClinVar's aggregate classification.

Laboratory of Diagnostic Genome Analysis, Leiden University Medical Center (LUMC)
Classification: Benign. Review status: no assertion criteria provided. Collection method: clinical testing. Allele origin: germline. Affected: yes. Study: VKGL Data-share Consensus. Not counted in ClinVar's aggregate classification.

NM_001267550.2(TTN):c.65575+19T>G

Genes: TTN (titin; minus strand), TTN-AS1 (TTN antisense RNA 1; plus strand). Cytogenetic location: 2q31.2.
Variant type: single nucleotide variant.
Coding change: c.65575+19T>G on transcript NM_001267550.2 (MANE Select); 19 bases into the intron after coding-DNA position 65575, T replaced by G.
Molecular consequence: intron variant. On other transcripts: non-coding transcript variant (1).
Genome position (GRCh38, 1-based): chr2:178,583,588, A>C on the plus strand (T>G on the coding strand, the complement: TTN is on the minus strand). VCF-style: chr2-178583588-A-C. GRCh37 (hg19) VCF-style: chr2-179448315-A-C.
Other names: c.38380+19T>G (NM_003319.4); c.38956+19T>G (NM_133437.4); c.38755+19T>G (NM_133432.3); c.57871+19T>G (NM_133378.4); c.60652+19T>G (NM_001256850.1).
Identifiers: ClinVar variation 137800 (VCV000137800.19), dbSNP rs72646865, ClinGen allele CA291462.